The following is an entry in ClinVar:

NM_016592.5(GNAS):c.222G>A (p.Gln74=)

Genes: GNAS (GNAS complex locus; plus strand), GNAS-AS1 (GNAS antisense RNA 1; minus strand). Cytogenetic location: 20q13.32.
Variant type: single nucleotide variant.
Coding change: c.222G>A on transcript NM_016592.5 (MANE Plus Clinical); coding-DNA position 222, G replaced by A.
Protein change: p.Gln74=; no amino-acid change (glutamine 74 retained).
Molecular consequence: synonymous variant. On other transcripts: 5 prime UTR variant (1).
Genome position (GRCh38, 1-based): chr20:58,840,328, G>A. VCF-style: chr20-58840328-G-A. GRCh37 (hg19) VCF-style: chr20-57415383-G-A.
Other names: c.-516G>A (NM_001410912.1).
Identifiers: ClinVar variation 4984267 (VCV004984267.1).

ClinVar aggregate classification (germline): Likely benign (1 of 4 stars; one submission).

Conditions:
GNAS-related disorder. Identifiers: MedGen CN380105.

gnomAD v4.1: 3 of 1,612,930 alleles (0.00019%); highest among the groups gnomAD compares: Admixed American, 0.0017%; no homozygotes.

Submission:

PreventionGenetics, part of Exact Sciences
Classification: Likely benign for GNAS-related condition. Last evaluated: 2026-07-26. Review status: criteria provided, single submitter. Criteria: ACMG Guidelines, 2015. Collection method: clinical testing. Allele origin: germline.
Comment: This variant is classified as likely benign based on ACMG/AMP sequence variant interpretation guidelines (Richards et al. 2015 PMID: 25741868, with internal and published modifications).